The following is an entry in ClinVar:

ClinVar aggregate classification (germline): Uncertain significance. Review status: criteria provided, multiple submitters, no conflicts (2 of 4 stars). 3 submissions from 3 submitters: Uncertain significance (3). Last evaluated 2025-04-24.

Conditions:
Hereditary cancer-predisposing syndrome. Also called: Tumor predisposition; Hereditary Cancer Syndrome; Hereditary neoplastic syndrome; Neoplastic Syndromes, Hereditary. Identifiers: Orphanet 140162, MedGen C0027672, MeSH D009386, MONDO:0015356.
Desmoid disease, hereditary (DESMD). Also called: FIBROMATOSIS, FAMILIAL INFILTRATIVE. Identifiers: Orphanet 873, MedGen C1851124, OMIM 135290. Disease mechanism: loss of function.
Familial adenomatous polyposis 1 (FAP1). Also called: POLYPOSIS, ADENOMATOUS INTESTINAL; FAMILIAL ADENOMATOUS POLYPOSIS 1, ATTENUATED. Identifiers: MedGen C2713442, MONDO:0021056, OMIM 175100. Disease mechanism: loss of function.

Allele frequency attached by ClinVar (database versions not stated): gnomAD exomes 0.00001.
gnomAD v4.1: 8 of 1,606,408 alleles (0.0005%); highest among the groups gnomAD compares: Non-Finnish European, 0.0006%; no homozygotes.

Submissions (3):

Ambry Genetics
Classification: Uncertain significance for Hereditary cancer-predisposing syndrome. Last evaluated: 2025-04-24. Review status: criteria provided, single submitter. Criteria: Ambry Variant Classification Scheme 2023. Collection method: clinical testing. Allele origin: germline.
Comment: The p.Q50R variant (also known as c.149A>G), located in coding exon 2 of the APC gene, results from an A to G substitution at nucleotide position 149. The glutamine at codon 50 is replaced by arginine, an amino acid with highly similar properties. This alteration was identified in an individual diagnosed with colorectal cancer (Abdul Murad NA et al. Dig Dis Sci, 2012 Nov;57:2863-72). This amino acid position is highly conserved in available vertebrate species. In addition, in silico predictors for this gene do not accurately predict pathogenicity. Missense alterations in APC are not a common cause of disease (Spier I et al. Genet Med. 2024 Feb;26(2):100992). Based on the available evidence, the clinical significance of this variant remains unclear.

Labcorp Genetics (formerly Invitae), Labcorp
Classification: Uncertain significance for Familial adenomatous polyposis 1. Last evaluated: 2023-11-20. Review status: criteria provided, single submitter. Criteria: Invitae Variant Classification Sherloc (09022015). Collection method: clinical testing. Allele origin: germline.
Comment: This sequence change replaces glutamine, which is neutral and polar, with arginine, which is basic and polar, at codon 50 of the APC protein (p.Gln50Arg). This variant is not present in population databases (gnomAD no frequency). This variant has not been reported in the literature in individuals affected with APC-related conditions. ClinVar contains an entry for this variant (Variation ID: 1966456). Advanced modeling of protein sequence and biophysical properties (such as structural, functional, and spatial information, amino acid conservation, physicochemical variation, residue mobility, and thermodynamic stability) performed at Invitae indicates that this missense variant is not expected to disrupt APC protein function with a negative predictive value of 95%. In summary, the available evidence is currently insufficient to determine the role of this variant in disease. Therefore, it has been classified as a Variant of Uncertain Significance.

Department of Pathology and Laboratory Medicine, Sinai Health System
Classification: Uncertain significance for Familial adenomatous polyposis 1; Desmoid disease, hereditary. Last evaluated: 2022-07-06. Review status: criteria provided, single submitter. Criteria: ACMG Guidelines, 2015. Collection method: clinical testing. Allele origin: germline. Affected: yes.

Literature cited by the submitters: PubMed 22669205 (cited by Ambry Genetics).

NM_000038.6(APC):c.149A>G (p.Gln50Arg)

Gene: APC (APC regulator of Wnt signaling pathway; plus strand). Cytogenetic location: 5q22.2.
Variant type: single nucleotide variant.
Coding change: c.149A>G on transcript NM_000038.6 (MANE Select); coding-DNA position 149, A replaced by G.
Protein change: p.Gln50Arg; replaces glutamine 50 with arginine.
Molecular consequence: missense variant. On other transcripts: 5 prime UTR variant (4).
Genome position (GRCh38, 1-based): chr5:112,766,339, A>G. VCF-style: chr5-112766339-A-G. GRCh37 (hg19) VCF-style: chr5-112102036-A-G.
Other names: c.149A>G, p.Gln50Arg (NM_001127510.3, NM_001354895.2, NM_001354896.2 and 16 more transcripts); c.179A>G, p.Gln60Arg (NM_001127511.3, NM_001354897.2, NM_001354902.2 and 1 more transcripts); c.74A>G, p.Gln25Arg (NM_001354898.2, NM_001354904.2, NM_001407451.1); c.-29A>G (NM_001354900.2, NM_001354901.2, NM_001354905.2 and 1 more transcripts); c.-887A>G (NM_001354906.2, NM_001407470.1, NM_001407471.1 and 1 more transcripts); c.149A>G (NM_000038.5); short protein forms Q50R, Q60R, Q25R.
Identifiers: ClinVar variation 1966456 (VCV001966456.9), dbSNP rs2149783939, ClinGen allele CA16021672.